The following is an entry in ClinVar:

ClinVar aggregate classification (germline): Uncertain significance (1 of 4 stars; one submission).

Conditions:
Hereditary cancer-predisposing syndrome. Also called: Hereditary Cancer Syndrome; Hereditary neoplastic syndrome; Neoplastic Syndromes, Hereditary; Tumor predisposition. Identifiers: Orphanet 140162, MedGen C0027672, MeSH D009386, MONDO:0015356.

Submission:

Ambry Genetics
Classification: Uncertain significance for Hereditary cancer-predisposing syndrome. Last evaluated: 2025-08-07. Review status: criteria provided, single submitter. Criteria: Ambry Variant Classification Scheme 2023. Collection method: clinical testing. Allele origin: germline.
Comment: The p.K714M variant (also known as c.2141A>T), located in coding exon 18 of the EGFR gene, results from an A to T substitution at nucleotide position 2141. The lysine at codon 714 is replaced by methionine, an amino acid with similar properties. This amino acid position is conserved. In addition, this alteration is predicted to be deleterious by in silico analysis. Based on the available evidence, the clinical significance of this variant remains unclear.

NM_005228.5(EGFR):c.2141A>T (p.Lys714Met)

Gene: EGFR (epidermal growth factor receptor; plus strand). Cytogenetic location: 7p11.2.
Variant type: single nucleotide variant.
Coding change: c.2141A>T on transcript NM_005228.5 (MANE Select); coding-DNA position 2141, A replaced by T.
Protein change: p.Lys714Met; replaces lysine 714 with methionine.
Molecular consequence: missense variant.
Genome position (GRCh38, 1-based): chr7:55,174,000, A>T. VCF-style: chr7-55174000-A-T. GRCh37 (hg19) VCF-style: chr7-55241693-A-T.
Other names: c.2006A>T, p.Lys669Met (NM_001346897.2, NM_001346899.2); c.2141A>T, p.Lys714Met (NM_001346898.2); c.1982A>T, p.Lys661Met (NM_001346900.2); c.1340A>T, p.Lys447Met (NM_001346941.2); short protein forms K447M, K661M, K669M, K714M.
Identifiers: ClinVar variation 4247337 (VCV004247337.1).